The following is an entry in ClinVar:

NM_058216.3(RAD51C):c.113T>C (p.Leu38Pro)

Gene: RAD51C (RAD51 paralog C; plus strand). Cytogenetic location: 17q22.
Variant type: single nucleotide variant.
Coding change: c.113T>C on transcript NM_058216.3 (MANE Select); coding-DNA position 113, T replaced by C.
Protein change: p.Leu38Pro; replaces leucine 38 with proline.
Molecular consequence: missense variant. On other transcripts: non-coding transcript variant (1).
Genome position (GRCh38, 1-based): chr17:58,692,756, T>C. VCF-style: chr17-58692756-T-C. GRCh37 (hg19) VCF-style: chr17-56770117-T-C.
Other names: c.113T>C (NM_058216.1); c.113T>C, p.Leu38Pro (NM_002876.4); short protein forms L38P.
Identifiers: ClinVar variation 538768 (VCV000538768.12), dbSNP rs1555592021, ClinGen allele CA400337513.

ClinVar aggregate classification (germline): Uncertain significance. Review status: criteria provided, multiple submitters, no conflicts (2 of 4 stars). 2 submissions from 2 submitters: Uncertain significance (2). Last evaluated 2026-09-08.

Conditions:
Fanconi anemia complementation group O. Also called: RAD51C-Related Fanconi Anemia. Identifiers: Orphanet 84, MedGen C3150653, MONDO:0013248, OMIM 613390.

Submissions (2):

GeneDx
Classification: Uncertain significance. Last evaluated: 2026-09-08. Review status: criteria provided, single submitter. Criteria: GeneDx Variant Classification Process June 2021. Collection method: clinical testing. Allele origin: germline.
Comment: Not observed at significant frequency in large population cohorts (gnomAD); In silico analysis supports that this missense variant has a deleterious effect on protein structure/function; Has not been previously published as pathogenic or benign to our knowledge

Labcorp Genetics (formerly Invitae), Labcorp
Classification: Uncertain significance for Fanconi anemia complementation group O. Last evaluated: 2025-08-09. Review status: criteria provided, single submitter. Criteria: Invitae Variant Classification Sherloc (09022015). Collection method: clinical testing. Allele origin: germline.
Comment: This sequence change replaces leucine, which is neutral and non-polar, with proline, which is neutral and non-polar, at codon 38 of the RAD51C protein (p.Leu38Pro). This variant is not present in population databases (gnomAD no frequency). This variant has not been reported in the literature in individuals affected with RAD51C-related conditions. ClinVar contains an entry for this variant (Variation ID: 538768). Invitae Evidence Modeling of protein sequence and biophysical properties (such as structural, functional, and spatial information, amino acid conservation, physicochemical variation, residue mobility, and thermodynamic stability) indicates that this missense variant is expected to disrupt RAD51C protein function with a positive predictive value of 80%. In summary, the available evidence is currently insufficient to determine the role of this variant in disease. Therefore, it has been classified as a Variant of Uncertain Significance.